The following is an entry in ClinVar:

ClinVar aggregate classification (germline): Conflicting classifications of pathogenicity. Review status: criteria provided, conflicting classifications (1 of 4 stars). 6 submissions from 6 submitters: Uncertain significance (1); Benign (4). 1 of the submissions does not count toward it. Last evaluated 2026-01-27.

Conditions:
A2ML1-related disorder. Also called: A2ML1-related condition.

Allele frequency attached by ClinVar (database versions not stated): gnomAD exomes 0.00024 and 0.00069; ExAC 0.00081; gnomAD 0.00243 and 0.00252; ESP Exome Variant Server 0.00262; TOPMed 0.00279; 1000 Genomes Project 30x 0.00437; 1000 Genomes Project 0.00439.
gnomAD v4.1: 724 of 1,613,062 alleles (0.045%); highest among the groups gnomAD compares: African/African-American, 0.87%; 5 homozygotes.

Submissions (6):

Labcorp Genetics (formerly Invitae), Labcorp
Classification: Benign. Last evaluated: 2026-01-27. Review status: criteria provided, single submitter. Criteria: Invitae Variant Classification Sherloc (09022015). Collection method: clinical testing. Allele origin: germline.

Ambry Genetics
Classification: Uncertain significance. Last evaluated: 2024-11-03. Review status: criteria provided, single submitter. Criteria: Ambry Variant Classification Scheme 2023. Collection method: clinical testing. Allele origin: germline.
Comment: The p.K288R variant (also known as c.863A>G), located in coding exon 9 of the A2ML1 gene, results from an A to G substitution at nucleotide position 863. The lysine at codon 288 is replaced by arginine, an amino acid with highly similar properties. This amino acid position is conserved. In addition, this alteration is predicted to be tolerated by in silico analysis. Since supporting evidence is limited at this time, the clinical significance of this alteration remains unclear.

Women's Health and Genetics/Laboratory Corporation of America, LabCorp
Classification: Benign. Last evaluated: 2020-05-26. Review status: criteria provided, single submitter. Criteria: LabCorp Variant Classification Summary - May 2015. Collection method: clinical testing. Allele origin: germline.
Comment: Variant summary: A2ML1 c.863A>G (p.Lys288Arg) results in a conservative amino acid change located in the Macroglobulin domain MG3 (IPR041555) of the encoded protein sequence. Five of five in-silico tools predict a benign effect of the variant on protein function. The variant allele was found at a frequency of 0.00069 in 248992 control chromosomes, predominantly at a frequency of 0.0099 within the African or African-American subpopulation in the gnomAD database. The observed variant frequency within African or African-American control individuals in the gnomAD database is approximately 2475 fold of the estimated maximal expected allele frequency for a pathogenic variant in A2ML1 causing Noonan Syndrome And Related Conditions phenotype (4e-06), strongly suggesting that the variant is a benign polymorphism found primarily in populations of African or African-American origin. To our knowledge, no occurrence of c.863A>G in individuals affected with Noonan Syndrome And Related Conditions and no experimental evidence demonstrating its impact on protein function have been reported. Two ClinVar submitters (evaluation after 2014) cite the variant as benign. Based on the evidence outlined above, the variant was classified as benign.

GeneDx
Classification: Benign. Last evaluated: 2017-06-15. Review status: criteria provided, single submitter. Criteria: GeneDx Variant Classification (06012015). Collection method: clinical testing. Allele origin: germline. Affected: yes.
Comment: This variant is considered likely benign or benign based on one or more of the following criteria: it is a conservative change, it occurs at a poorly conserved position in the protein, it is predicted to be benign by multiple in silico algorithms, and/or has population frequency not consistent with disease.

Breakthrough Genomics
Classification: Benign. Review status: criteria provided, single submitter. Criteria: ACMG Guidelines, 2015. Collection method: not provided. Allele origin: germline. Inheritance: Autosomal dominant inheritance. Affected: yes.

PreventionGenetics, part of Exact Sciences
Classification: Benign for A2ML1-related condition. Last evaluated: 2021-01-13. Review status: no assertion criteria provided. Collection method: clinical testing. Allele origin: germline. Not counted in ClinVar's aggregate classification.
Comment: This variant is classified as benign based on ACMG/AMP sequence variant interpretation guidelines (Richards et al. 2015 PMID: 25741868, with internal and published modifications).

NM_144670.6(A2ML1):c.863A>G (p.Lys288Arg)

Gene: A2ML1 (alpha-2-macroglobulin like 1; plus strand). Cytogenetic location: 12p13.31.
Variant type: single nucleotide variant.
Coding change: c.863A>G on transcript NM_144670.6 (MANE Select); coding-DNA position 863, A replaced by G.
Protein change: p.Lys288Arg; replaces lysine 288 with arginine.
Molecular consequence: missense variant.
Genome position (GRCh38, 1-based): chr12:8,838,343, A>G. VCF-style: chr12-8838343-A-G. GRCh37 (hg19) VCF-style: chr12-8990939-A-G.
Other names: short protein forms K288R.
Identifiers: ClinVar variation 413809 (VCV000413809.19), dbSNP rs75617691, ClinGen allele CA6435467.
Genomic context (GRCh38, chr12:8,838,343, plus strand): 5'-AGAGATTAGATTCCTCATCTGCTCTCTATCTCTGTCTCTGATCACCTCACTAGACTGACA[A>G]AACAGGATGTTTCTCAGCACCTGTGGACATGGCCACCTTTGACCTCATTGGATATGCGTA-3'
Protein context (NP_653271.3, residues 278-298): KCRNLSGQTD[Lys288Arg]TGCFSAPVDM